The following is an entry in ClinVar:

NM_012193.4(FZD4):c.599G>A (p.Cys200Tyr)

Genes: FZD4 (frizzled class receptor 4; minus strand), PRSS23 (serine protease 23; plus strand). Cytogenetic location: 11q14.2.
Variant type: single nucleotide variant.
Coding change: c.599G>A on transcript NM_012193.4 (MANE Select); coding-DNA position 599, G replaced by A.
Protein change: p.Cys200Tyr; replaces cysteine 200 with tyrosine.
Molecular consequence: missense variant. On other transcripts: non-coding transcript variant (2).
Genome position (GRCh38, 1-based): chr11:86,952,157, C>T on the plus strand (G>A on the coding strand, the complement: FZD4 is on the minus strand). VCF-style: chr11-86952157-C-T. GRCh37 (hg19) VCF-style: chr11-86663199-C-T.
Other names: short protein forms C200Y.
Identifiers: ClinVar variation 2132703 (VCV002132703.4), dbSNP rs1949299538, ClinGen allele CA382015399.

ClinVar aggregate classification (germline): Uncertain significance (1 of 4 stars; one submission).

Allele frequency attached by ClinVar (database versions not stated): TOPMed below 0.00001.

Submission:

Labcorp Genetics (formerly Invitae), Labcorp
Classification: Uncertain significance. Last evaluated: 2022-05-03. Review status: criteria provided, single submitter. Criteria: Invitae Variant Classification Sherloc (09022015). Collection method: clinical testing. Allele origin: germline.
Comment: This variant has not been reported in the literature in individuals affected with FZD4-related conditions. This variant is not present in population databases (gnomAD no frequency). This sequence change replaces cysteine, which is neutral and slightly polar, with tyrosine, which is neutral and polar, at codon 200 of the FZD4 protein (p.Cys200Tyr). Algorithms developed to predict the effect of missense changes on protein structure and function (SIFT, PolyPhen-2, Align-GVGD) all suggest that this variant is likely to be disruptive. In summary, the available evidence is currently insufficient to determine the role of this variant in disease. Therefore, it has been classified as a Variant of Uncertain Significance.